The following is an entry in ClinVar:

ClinVar aggregate classification (germline): Benign. Review status: criteria provided, single submitter (1 of 4 stars). 2 submissions from 2 submitters: Benign (1). 1 of the submissions does not count toward it. Last evaluated 2024-02-04.

Conditions:
EYS-related disorder. Also called: EYS-related condition.

Submissions (2):

Labcorp Genetics (formerly Invitae), Labcorp
Classification: Benign. Last evaluated: 2024-02-04. Review status: criteria provided, single submitter. Criteria: Invitae Variant Classification Sherloc (09022015). Collection method: clinical testing. Allele origin: germline.

PreventionGenetics, part of Exact Sciences
Classification: Likely benign for EYS-related condition. Last evaluated: 2019-10-18. Review status: no assertion criteria provided. Collection method: clinical testing. Allele origin: germline. Not counted in ClinVar's aggregate classification.
Comment: This variant is classified as likely benign based on ACMG/AMP sequence variant interpretation guidelines (Richards et al. 2015 PMID: 25741868, with internal and published modifications).

NM_001142800.2(EYS):c.6572-8del

Gene: EYS (EGF-like photoreceptor maintenance factor; minus strand). Cytogenetic location: 6q12.
Variant type: Deletion.
Coding change: c.6572-8del on transcript NM_001142800.2 (MANE Select); 8 bases into the intron before coding-DNA position 6572, one base deleted (T; older notation c.6572-8delT).
Molecular consequence: intron variant.
Genome position (GRCh38, 1-based): chr6:64,066,499, A deleted on the plus strand (T on the coding strand, the reverse complement: EYS is on the minus strand); the first of 7 consecutive A bases (chr6:64,066,499-64,066,505); deleting any one gives the same sequence. VCF-style (leftmost placement, unchanged base first): chr6-64066498-GA-G. GRCh37 (hg19) VCF-style: chr6-64776391-GA-G.
Other names: c.6572-8delT (NM_001142800.1); c.6572-8del (NM_001292009.2).
Identifiers: ClinVar variation 2902908 (VCV002902908.5), dbSNP rs1370853057, ClinGen allele CA567709372.